The following is an entry in ClinVar:

ClinVar aggregate classification (germline): Uncertain significance. Review status: criteria provided, multiple submitters, no conflicts (2 of 4 stars). 3 submissions from 3 submitters: Uncertain significance (3). Last evaluated 2024-11-03.

Conditions:
Inborn genetic diseases. Identifiers: MedGen C0950123, MeSH D030342.
Wolcott-Rallison dysplasia. Also called: Wolcott-Rallison syndrome; MED-IDDM SYNDROME. Identifiers: Orphanet 1667, MedGen C0432217, MONDO:0009192, OMIM 226980.

Allele frequency attached by ClinVar (database versions not stated): gnomAD exomes below 0.00001.
gnomAD v4.1: 6 of 1,614,026 alleles (0.00037%); highest among the groups gnomAD compares: Non-Finnish European, 0.00051%; no homozygotes.

Submissions (3):

Labcorp Genetics (formerly Invitae), Labcorp
Classification: Uncertain significance. Last evaluated: 2024-11-03. Review status: criteria provided, single submitter. Criteria: Invitae Variant Classification Sherloc (09022015). Collection method: clinical testing. Allele origin: germline.
Comment: This sequence change replaces alanine, which is neutral and non-polar, with valine, which is neutral and non-polar, at codon 704 of the EIF2AK3 protein (p.Ala704Val). This variant is not present in population databases (gnomAD no frequency). This variant has not been reported in the literature in individuals affected with EIF2AK3-related conditions. ClinVar contains an entry for this variant (Variation ID: 2487080). An algorithm developed to predict the effect of missense changes on protein structure and function (PolyPhen-2) suggests that this variant¬†is likely to be tolerated. In summary, the available evidence is currently insufficient to determine the role of this variant in disease. Therefore, it has been classified as a Variant of Uncertain Significance.

Fulgent Genetics
Classification: Uncertain significance for Wolcott-Rallison dysplasia. Last evaluated: 2024-03-04. Review status: criteria provided, single submitter. Criteria: ACMG Guidelines, 2015. Collection method: clinical testing. Allele origin: germline.

Ambry Genetics
Classification: Uncertain significance for Inborn genetic diseases. Last evaluated: 2023-02-22. Review status: criteria provided, single submitter. Criteria: Ambry Variant Classification Scheme 2023. Collection method: clinical testing. Allele origin: germline.

NM_004836.7(EIF2AK3):c.2111C>T (p.Ala704Val)

Genes: EIF2AK3 (eukaryotic translation initiation factor 2 alpha kinase 3; minus strand), EIF2AK3-AS1 (EIF2AK3 antisense RNA 1; plus strand). Cytogenetic location: 2p11.2.
Variant type: single nucleotide variant.
Coding change: c.2111C>T on transcript NM_004836.7 (MANE Select); coding-DNA position 2111, C replaced by T.
Protein change: p.Ala704Val; replaces alanine 704 with valine.
Molecular consequence: missense variant. On other transcripts: non-coding transcript variant (1).
Genome position (GRCh38, 1-based): chr2:88,575,372, G>A on the plus strand (C>T on the coding strand, the complement: EIF2AK3 is on the minus strand). VCF-style: chr2-88575372-G-A. GRCh37 (hg19) VCF-style: chr2-88874890-G-A.
Other names: c.1658C>T, p.Ala553Val (NM_001313915.2); short protein forms A553V, A704V.
Identifiers: ClinVar variation 2487080 (VCV002487080.4), dbSNP rs1674431220, ClinGen allele CA347592873.
Genomic context (GRCh38, chr2:88,575,372, plus strand): 5'-ACTGAAAAAGACCTGCTTCTTTGTGGTGAAGGAGCTATGATTTCAATATGTTCTTTTGTA[G>A]CGAAAGGATCCATTCTGCGTATTTTAACTGATGGTGCATCCATTGGGCTAGGAGAGCTGA-3'
Protein context (NP_004827.4, residues 694-714): SVKIRRMDPF[Ala704Val]TKEHIEIIAP